The following is an entry in ClinVar:

NM_004068.4(AP2M1):c.989C>G (p.Thr330Arg)

Gene: AP2M1 (adaptor related protein complex 2 subunit mu 1; plus strand). Cytogenetic location: 3q27.1.
Variant type: single nucleotide variant.
Coding change: c.989C>G on transcript NM_004068.4 (MANE Select); coding-DNA position 989, C replaced by G.
Protein change: p.Thr330Arg; replaces threonine 330 with arginine.
Molecular consequence: missense variant.
Genome position (GRCh38, 1-based): chr3:184,182,176, C>G. VCF-style: chr3-184182176-C-G. GRCh37 (hg19) VCF-style: chr3-183899964-C-G.
Other names: c.983C>G, p.Thr328Arg (NM_001025205.2); c.1064C>G, p.Thr355Arg (NM_001311198.2); short protein forms T328R, T330R, T355R.
Identifiers: ClinVar variation 3365357 (VCV003365357.1).

ClinVar aggregate classification (germline): Uncertain significance (1 of 4 stars; one submission).

Submission:

GeneDx
Classification: Uncertain significance. Last evaluated: 2023-12-12. Review status: criteria provided, single submitter. Criteria: GeneDx Variant Classification Process June 2021. Collection method: clinical testing. Allele origin: germline. Affected: yes.
Comment: Not observed at significant frequency in large population cohorts (gnomAD); In silico analysis supports that this missense variant has a deleterious effect on protein structure/function; Has not been previously published as pathogenic or benign to our knowledge; Variants in candidate genes are classified as variants of uncertain significance in accordance with ACMG guidelines (PMID: 25741868)